The following is an entry in ClinVar:

NM_000038.6(APC):c.2333A>G (p.Asn778Ser)

Gene: APC (APC regulator of Wnt signaling pathway; plus strand). Cytogenetic location: 5q22.2.
Variant type: single nucleotide variant.
Coding change: c.2333A>G on transcript NM_000038.6 (MANE Select); coding-DNA position 2333, A replaced by G.
Protein change: p.Asn778Ser; replaces asparagine 778 with serine.
Molecular consequence: missense variant.
Genome position (GRCh38, 1-based): chr5:112,837,927, A>G. VCF-style: chr5-112837927-A-G. GRCh37 (hg19) VCF-style: chr5-112173624-A-G.
Other names: c.2333A>G, p.Asn778Ser (NM_001127510.3, NM_001354895.2); c.2279A>G, p.Asn760Ser (NM_001127511.3); c.2387A>G, p.Asn796Ser (NM_001354896.2); c.2363A>G, p.Asn788Ser (NM_001354897.2); c.2258A>G, p.Asn753Ser (NM_001354898.2); c.2249A>G, p.Asn750Ser (NM_001354899.2); c.2210A>G, p.Asn737Ser (NM_001354900.2); c.2156A>G, p.Asn719Ser (NM_001354901.2); and 5 more; short protein forms N778S, N760S, N737S, N753S, N677S, N687S, N719S, N796S.
Identifiers: ClinVar variation 630116 (VCV000630116.16), dbSNP rs753274177, ClinGen allele CA031698.

ClinVar aggregate classification (germline): Uncertain significance. Review status: criteria provided, multiple submitters, no conflicts (2 of 4 stars). 3 submissions from 3 submitters: Uncertain significance (3). Last evaluated 2025-07-15.

Conditions:
Hereditary cancer-predisposing syndrome. Also called: Neoplastic Syndromes, Hereditary; Tumor predisposition; Hereditary neoplastic syndrome; Hereditary Cancer Syndrome. Identifiers: Orphanet 140162, MedGen C0027672, MeSH D009386, MONDO:0015356.
Familial adenomatous polyposis 1 (FAP1). Also called: POLYPOSIS, ADENOMATOUS INTESTINAL; FAMILIAL ADENOMATOUS POLYPOSIS 1, ATTENUATED. Identifiers: MedGen C2713442, MONDO:0021056, OMIM 175100. Disease mechanism: loss of function.

Allele frequency attached by ClinVar (database versions not stated): gnomAD exomes below 0.00001; ExAC 0.00001.
gnomAD v4.1: 1 of 1,614,126 alleles (0.000062%); highest among the groups gnomAD compares: South Asian, 0.0011%; no homozygotes.

Submissions (3):

Labcorp Genetics (formerly Invitae), Labcorp
Classification: Uncertain significance for Familial adenomatous polyposis 1. Last evaluated: 2025-07-15. Review status: criteria provided, single submitter. Criteria: Invitae Variant Classification Sherloc (09022015). Collection method: clinical testing. Allele origin: germline.
Comment: This sequence change replaces asparagine, which is neutral and polar, with serine, which is neutral and polar, at codon 778 of the APC protein (p.Asn778Ser). This variant is not present in population databases (gnomAD no frequency). This variant has not been reported in the literature in individuals affected with APC-related conditions. ClinVar contains an entry for this variant (Variation ID: 630116). Invitae Evidence Modeling of protein sequence and biophysical properties (such as structural, functional, and spatial information, amino acid conservation, physicochemical variation, residue mobility, and thermodynamic stability) indicates that this missense variant is not expected to disrupt APC protein function with a negative predictive value of 95%. In summary, the available evidence is currently insufficient to determine the role of this variant in disease. Therefore, it has been classified as a Variant of Uncertain Significance.

Ambry Genetics
Classification: Uncertain significance for Hereditary cancer-predisposing syndrome. Last evaluated: 2023-10-04. Review status: criteria provided, single submitter. Criteria: Ambry Variant Classification Scheme 2023. Collection method: clinical testing. Allele origin: germline.
Comment: The p.N778S variant (also known as c.2333A>G), located in coding exon 15 of the APC gene, results from an A to G substitution at nucleotide position 2333. The asparagine at codon 778 is replaced by serine, an amino acid with highly similar properties. This amino acid position is highly conserved in available vertebrate species. In addition, in silico predictors for this gene do not accurately predict pathogenicity. Since supporting evidence is limited at this time, the clinical significance of this alteration remains unclear.

Color Diagnostics, LLC DBA Color Health
Classification: Uncertain significance for Hereditary cancer-predisposing syndrome. Last evaluated: 2022-12-13. Review status: criteria provided, single submitter. Criteria: ACMG Guidelines, 2015. Collection method: clinical testing. Allele origin: germline.
Comment: This missense variant replaces asparagine with serine at codon 778 of the APC protein. Computational prediction suggests that this variant may not impact protein structure and function (internally defined REVEL score threshold <= 0.5, PMID: 27666373). To our knowledge, functional studies have not been reported for this variant. This variant has not been reported in individuals affected with hereditary cancer in the literature. This variant has not been identified in the general population by the Genome Aggregation Database (gnomAD). The available evidence is insufficient to determine the role of this variant in disease conclusively. Therefore, this variant is classified as a Variant of Uncertain Significance.